The following is an entry in ClinVar:

NM_001283009.2(RTEL1):c.2956C>T (p.Arg986Ter)

Genes: RTEL1 (regulator of telomere elongation helicase 1; plus strand), RTEL1-TNFRSF6B (RTEL1-TNFRSF6B readthrough (NMD candidate); plus strand). Cytogenetic location: 20q13.33.
Variant type: single nucleotide variant.
Coding change: c.2956C>T on transcript NM_001283009.2 (MANE Select); coding-DNA position 2956, C replaced by T.
Protein change: p.Arg986Ter; replaces arginine 986 with a stop codon.
Molecular consequence: nonsense. On other transcripts: non-coding transcript variant (1).
Genome position (GRCh38, 1-based): chr20:63,693,247, C>T. VCF-style: chr20-63693247-C-T. GRCh37 (hg19) VCF-style: chr20-62324600-C-T.
Other names: p.Arg986*; p.Arg1010*; c.2287C>T, p.Arg763Ter (NM_001283010.1); c.2956C>T, p.Arg986Ter (NM_016434.4); c.3028C>T, p.Arg1010Ter (NM_032957.5); c.2956C>T (NM_016434.3); short protein forms R1010*, R986*, R763*.
Identifiers: ClinVar variation 65417 (VCV000065417.103), dbSNP rs373740199, ClinGen allele CA144786.
Genomic context (GRCh38, chr20:63,693,247, plus strand): 5'-GAGGTCTGTATCCAGCTGACAGGACGAGGCTGTGGCTATCGGCCTGAGCACAGCATTCCC[C>T]GAAGGCAGCGGGCACAGCCGGTCCTGGACCCCACTGGTAAATGGGGCCCCAGGTGGGACC-3'

ClinVar aggregate classification (germline): Pathogenic/Likely pathogenic. Review status: criteria provided, multiple submitters, no conflicts (2 of 4 stars). 25 submissions from 25 submitters: Pathogenic (19); Likely pathogenic (1). 5 of the submissions do not count toward it. Last evaluated 2026-04-20.

Conditions:
Dyskeratosis congenita, autosomal recessive 5 (DKCB5). Identifiers: MedGen C3554656, MONDO:0014076, OMIM 615190.
Pulmonary fibrosis and/or bone marrow failure, Telomere-related, 3. Also called: PULMONARY FIBROSIS AND/OR BONE MARROW FAILURE SYNDROME, TELOMERE-RELATED, 3. Identifiers: Orphanet 2032, MedGen C4225346, MONDO:0014613, OMIM 616373.
RTEL1-related disorder. Also called: RTEL1-related disorders; RTEL1-related condition.
Autosomal dominant RTEL1-related disorders.
Pulmonary fibrosis. Identifiers: MedGen C0034069, MONDO:0002771, HP:0002206.
Dyskeratosis congenita, autosomal dominant 4. Identifiers: MedGen C3808802, MONDO:0800366.
Adams-Oliver syndrome 3 (AOS3). Identifiers: Orphanet 974, MedGen C3553748, MONDO:0013895, OMIM 614814.
Dyskeratosis congenita. Identifiers: Orphanet 1775, MedGen C0265965, MONDO:0015780.

Allele frequency attached by ClinVar (database versions not stated): TOPMed 0.00006; gnomAD 0.00009; ESP Exome Variant Server 0.00015.

Submissions 1 to 11 of 25:

PreventionGenetics, part of Exact Sciences
Classification: Pathogenic for RTEL1-related condition. Last evaluated: 2026-04-20. Review status: criteria provided, single submitter. Criteria: ACMG Guidelines, 2015. Collection method: clinical testing. Allele origin: germline.
Comment: The RTEL1 c.3028C>T variant is predicted to result in premature protein termination (p.Arg1010*). This variant is also described as c.2956C>T, p.Arg986* using alternative transcript (NM_001283009.1). It has been reported in the heterozygous state or with a second RTEL1 variant in individuals with RTEL1-related phenotypes (see, for example: Ballew et al. 2013. PubMed ID: 23329068; Marsh et al. 2018. PubMed ID: 29344583; Dataset EV1, Tummala et al. 2024. PubMed ID: 39198715). Individuals carrying this variant have been reported to have shortened telomere length (Ballew et al. 2013. PubMed ID: 23329068; Marsh et al. 2018. PubMed ID: 29344583; Petersen et al. 2017. PubMed ID: 28930861). This variant has been reported in both affected and asymptomatic family members (Ballew et al. 2013. PubMed ID: 23329068; Cardoso et al. 2017. PubMed ID: 28495916). This variant is reported in 0.032% of alleles in individuals of European (Finnish) descent in gnomAD. Nonsense variants in RTEL1 are expected to be pathogenic. This variant is interpreted as pathogenic.

Dasa
Classification: Pathogenic. Last evaluated: 2026-01-29. Review status: criteria provided, single submitter. Criteria: DASA Assertion Criteria. Collection method: clinical testing. Allele origin: germline.
Comment: NM_001283009.2(RTEL1):c.2956C>T (p.Arg986*) introduces a premature termination codon predicted to result in loss of normal protein function. Loss-of-function is an established mechanism of disease for this gene. Segregation evidence has been reported in affected families. This variant has been recurrently observed in individuals with related phenotype (PMID: 37951311; PMID: 36622818; PMID: 36769106). The variant is present at low frequency in population datasets. Based on the available data, this variant is classified as pathogenic.

3billion
Classification: Pathogenic for Dyskeratosis congenita, autosomal recessive 5. Last evaluated: 2025-12-29. Review status: criteria provided, single submitter. Criteria: ACMG Guidelines, 2015. Collection method: clinical testing. Allele origin: germline. Affected: yes.
Comment: The variant is observed at an extremely low frequency in the gnomAD v4.1.0 dataset (total allele frequency: 0.005%). Predicted Consequence/Location: Stop-gained (nonsense): predicted to result in a loss or disruption of normal protein function through nonsense-mediated decay (NMD) or protein truncation. Multiple pathogenic variants are reported downstream of the variant. The variant has been reported at least twice as pathogenic with clinical assertions and evidence for the classification (ClinVar ID: VCV000065417 /PMID: 23329068). Therefore, this variant is classified as Pathogenic according to the recommendation of ACMG/AMP guideline.

Variantyx, Inc.
Classification: Pathogenic for Autosomal dominant RTEL1-related disorders. Last evaluated: 2025-11-26. Review status: criteria provided, single submitter. Criteria: Variantyx Assertion Criteria 2022. Collection method: clinical testing. Allele origin: germline. Inheritance: Autosomal recessive inheritance. Affected: yes.
Comment: This is a nonsense variant in the RTEL1 gene (OMIM: 608833). Pathogenic variants in this gene have been associated with autosomal dominant and autosomal recessive RTEL1-related disorders. This variant introduces a premature termination codon in exon 30 out of 35 and is expected to result in loss of function, which is a known disease mechanism for RTEL1 in this disorder (PMID: 29344583) (PVS1). This variant has been reported in at least five affected individuals with a range of diseases including dyskeratosis congenita, Hoyeraal-Hreidarsson syndrome, shortened telomeres, and idiopathic pulmonary fibrosis (PMID: 23329068, 28099038, 29344583, 30523160) (PS4). This variant has a 0.0080% maximum allele frequency in non-founder control populations (PM2). Based on the current evidence, this variant is classified as pathogenic for autosomal dominant RTEL1-related disorders.Inheritance from an unaffected parent or a parent with unknown affected status has been reported, consistent with incomplete penetrance (PMID: 25848748).

Johns Hopkins Genomics, Johns Hopkins University
Classification: Pathogenic for Adams-Oliver syndrome 3. Last evaluated: 2025-09-09. Review status: criteria provided, single submitter. Criteria: ACMG Guidelines, 2015. Collection method: clinical testing. Allele origin: germline.
Comment: This variant has been reported in the literature in association with RTEL1-related conditions. This RTEL1 nonsense variant (rs373740199) is rare (<0.1%) in a large population dataset (gnomAD v4.1.0: 84/1611858 total alleles, MAF 0.005211%, 0 homozygotes; Middle Eastern subpopulation 3/6078 alleles, MAF 0.04936%, 0 homozygotes) and has been reported in ClinVar (Variation ID 65417). This variant results in a premature stop codon in exon 30 of 35, likely leading to nonsense-mediated decay and lack of protein production. We consider this variant to be pathogenic.

Daryl Scott Lab, Baylor College of Medicine
Classification: Pathogenic for RTEL1-related disorder. Last evaluated: 2025-08-25. Review status: criteria provided, single submitter. Criteria: ACMG Guidelines, 2015. Collection method: clinical testing. Allele origin: paternal. Affected: yes. Observed: 1 heterozygote.
Comment: PVS1, PS4

Natera, Inc.
Classification: Pathogenic for Dyskeratosis congenita. Last evaluated: 2025-06-26. Review status: criteria provided, single submitter. Criteria: Natera Variant Classification Schema (03/2026). Collection method: clinical testing. Allele origin: germline.
Comment: The c.3028C>T variant in RTEL1 is a nonsense variant predicted to introduce a stop codon at amino acid 1010. This variant is expected to result in nonsense mediated decay, truncation, or a dysfunctional protein product. This variant is rare in the general population with a frequency below the threshold expected for the associated phenotype(s). This variant has been observed in one or more individuals affected with the associated recessive disease, as either homozygous or compound heterozygous with a second variant (PMID: 39198715). Given the available evidence, this variant is classified as Pathogenic.

Center for Genomic Medicine, Rigshospitalet, Copenhagen University Hospital
Classification: Pathogenic. Last evaluated: 2025-03-04. Review status: criteria provided, single submitter. Criteria: ACMG Guidelines, 2015. Collection method: clinical testing. Allele origin: germline.

Labcorp Genetics (formerly Invitae), Labcorp
Classification: Pathogenic for Dyskeratosis congenita, autosomal recessive 5; Pulmonary fibrosis and/or bone marrow failure, Telomere-related, 3. Last evaluated: 2024-11-05. Review status: criteria provided, single submitter. Criteria: Invitae Variant Classification Sherloc (09022015). Collection method: clinical testing. Allele origin: germline.
Comment: This sequence change creates a premature translational stop signal (p.Arg986*) in the RTEL1 gene. It is expected to result in an absent or disrupted protein product. Loss-of-function variants in RTEL1 are known to be pathogenic (PMID: 23453664, 23959892, 25607374). This variant is present in population databases (rs373740199, gnomAD 0.03%). This premature translational stop signal has been observed in individual(s) with shortened telomeres and Hoyeraal-Hreidarsson syndrome, shortened telomeres and early onset ulcerative colitis, or idiopathic pulmonary fibrosis (PMID: 23329068, 27128385, 28099038, 28930861). This variant is also known as c.3028C>T, p.Arg1010*, and R1010X. ClinVar contains an entry for this variant (Variation ID: 65417). Algorithms developed to predict the effect of sequence changes on RNA splicing suggest that this variant may disrupt the consensus splice site. For these reasons, this variant has been classified as Pathogenic.

Blueprint Genetics
Classification: Pathogenic for RTEL1-related disorders. Last evaluated: 2024-09-02. Review status: criteria provided, single submitter. Criteria: ACMG Guidelines, 2015. Collection method: clinical testing. Allele origin: germline. Affected: yes. Observed: 5 variant alleles.

Department of Traditional Chinese Medicine, Fujian Provincial Hospital
Classification: Pathogenic for Dyskeratosis congenita, autosomal recessive 5. Last evaluated: 2024-07-10. Review status: criteria provided, single submitter. Criteria: ACMG Guidelines, 2015. Collection method: research. Allele origin: inherited.
Comment: Chest CT revealed fibrotic interstitial pneumonia, and pulmonary function tests indicated mild restrictive ventilatory dysfunction, leading to a diagnosis of idiopathic pulmonary fibrosis. According to the ACMG guidelines, this variant is classified as pathogenic. A related mutation has been previously reported by Petrovski S et al. (PMID: 28099038). Therefore, we consider this variant to be pathogenic.